The following is an entry in ClinVar:

ClinVar aggregate classification (germline): Conflicting classifications of pathogenicity. Review status: criteria provided, conflicting classifications (1 of 4 stars). 3 submissions from 3 submitters: Uncertain significance (2); Likely benign (1). Last evaluated 2026-01-26.

Conditions:
Hereditary breast ovarian cancer syndrome. Also called: Hereditary breast and ovarian cancer; Hereditary breast and/or ovarian cancer syndrome; BRCA1- and BRCA2-Associated Hereditary Breast and Ovarian Cancer; Hereditary breast and ovarian cancer syndrome; Hereditary breast and ovarian cancer syndrome (HBOC); Breast and ovarian cancer. Identifiers: Orphanet 145, MedGen C0677776, MeSH D061325, MONDO:0003582. Disease mechanism: loss of function.
Hereditary cancer-predisposing syndrome. Also called: Tumor predisposition; Hereditary Cancer Syndrome; Hereditary neoplastic syndrome; Neoplastic Syndromes, Hereditary. Identifiers: Orphanet 140162, MedGen C0027672, MeSH D009386, MONDO:0015356.

Allele frequency attached by ClinVar (database versions not stated): gnomAD 0.00001.
gnomAD v4.1: 3 of 1,613,814 alleles (0.00019%); highest among the groups gnomAD compares: East Asian, 0.0045%; no homozygotes.

Submissions (3):

Labcorp Genetics (formerly Invitae), Labcorp
Classification: Likely benign for Hereditary breast ovarian cancer syndrome. Last evaluated: 2026-01-26. Review status: criteria provided, single submitter. Criteria: Invitae Variant Classification Sherloc (09022015). Collection method: clinical testing. Allele origin: germline.

Ambry Genetics
Classification: Uncertain significance for Hereditary cancer-predisposing syndrome. Last evaluated: 2024-04-11. Review status: criteria provided, single submitter. Criteria: Ambry Variant Classification Scheme 2023. Collection method: clinical testing. Allele origin: germline.
Comment: The p.P1856T variant (also known as c.5566C>A), located in coding exon 22 of the BRCA1 gene, results from a C to A substitution at nucleotide position 5566. The proline at codon 1856 is replaced by threonine, an amino acid with highly similar properties. This amino acid position is poorly conserved in available vertebrate species. In one study, this variant (designated as P1856T (5685C>A)) exhibited loss of function when studied by a termperature sensitive transcriptional activation assay (Carvalho MA et al. Cancer Biol.Ther. 2002 Sep;1(5):502-8). This variant was functional in a homology directed repair and cisplatin resistance protein functional assay (Adamovich AI et al. Am J Hum Genet, 2022 Apr;109:618-630). In addition, the in silico prediction for this alteration is inconclusive. Based on the available evidence, the clinical significance of this variant remains unclear.

Color Diagnostics, LLC DBA Color Health
Classification: Uncertain significance for Hereditary cancer-predisposing syndrome. Last evaluated: 2019-05-30. Review status: criteria provided, single submitter. Criteria: ACMG Guidelines, 2015. Collection method: clinical testing. Allele origin: germline.

Literature cited by the submitters: PubMed 35196514 (cited by Ambry Genetics).

NM_007294.4(BRCA1):c.5566C>A (p.Pro1856Thr)

Gene: BRCA1 (BRCA1 DNA repair associated; minus strand). Cytogenetic location: 17q21.31.
Variant type: single nucleotide variant.
Coding change: c.5566C>A on transcript NM_007294.4 (MANE Select); coding-DNA position 5566, C replaced by A.
Protein change: p.Pro1856Thr; replaces proline 1856 with threonine.
Molecular consequence: missense variant. On other transcripts: 3 prime UTR variant (1), non-coding transcript variant (1).
Genome position (GRCh38, 1-based): chr17:43,045,704, G>T on the plus strand (C>A on the coding strand, the complement: BRCA1 is on the minus strand). VCF-style: chr17-43045704-G-T. GRCh37 (hg19) VCF-style: chr17-41197721-G-T.
Other names: c.5350C>A, p.Pro1784Thr (NM_001407918.1, NM_001407915.1, NM_001407916.1 and 1 more transcripts); c.5485C>A, p.Pro1829Thr (NM_001407656.1, NM_001407657.1, NM_001407658.1); c.1993C>A, p.Pro665Thr (NM_001408498.1, NM_001408500.1, NM_001408499.1 and 3 more transcripts); c.1990C>A, p.Pro664Thr (NM_001408504.1, NM_001408503.1, NM_001408502.1); c.5482C>A, p.Pro1828Thr (NM_001407661.1, NM_001407660.1, NM_001407659.1 and 2 more transcripts); c.5302C>A, p.Pro1768Thr (NM_001407923.1, NM_001407922.1, NM_001407920.1 and 4 more transcripts); c.5314C>A, p.Pro1772Thr (NM_001407919.1); c.5353C>A, p.Pro1785Thr (NM_001407571.1, NM_001407894.1, NM_001407895.1 and 12 more transcripts); and 74 more; short protein forms P1856T, P1809T, P752T, P1877T, P1559T, P1702T, P1767T, P1768T.
Identifiers: ClinVar variation 409334 (VCV000409334.16), dbSNP rs80357274, ClinGen allele CA10590193.